The following is an entry in ClinVar:

NM_000264.5(PTCH1):c.2684dup (p.Pro896fs)

Gene: PTCH1 (patched 1; minus strand). Cytogenetic location: 9q22.32.
Variant type: Duplication.
Coding change: c.2684dup on transcript NM_000264.5 (MANE Select); coding-DNA position 2684, one base duplicated (A; older notation c.2684dupA).
Protein change: p.Pro896fs; shifts the reading frame from proline 896.
Molecular consequence: frameshift variant. On other transcripts: non-coding transcript variant (1).
Genome position (GRCh38, 1-based): chr9:95,461,875, T duplicated on the plus strand (A on the coding strand, the reverse complement: PTCH1 is on the minus strand); the first of 2 consecutive T bases (chr9:95,461,875-95,461,876); duplicating either gives the same sequence. VCF-style (leftmost placement, unchanged base first): chr9-95461874-C-CT. GRCh37 (hg19) VCF-style: chr9-98224156-C-CT.
Other names: c.2486dup, p.Pro830fs (NM_001083602.3); c.2681dup, p.Pro895fs (NM_001083603.3); c.2231dup, p.Pro745fs (NM_001083604.3, NM_001083605.3, NM_001083606.3 and 1 more transcripts); c.2528dup, p.Pro844fs (NM_001354918.2); c.2684dupA (NM_000264.5); short protein forms P745fs, P830fs, P844fs, P895fs, P896fs.
Identifiers: ClinVar variation 1072169 (VCV001072169.8), dbSNP rs2136687071, ClinGen allele CA2499220036.

ClinVar aggregate classification (germline): Pathogenic (1 of 4 stars; one submission).
ClinVar aggregate classification (oncogenicity): Likely oncogenic (1 of 4 stars; one submission).

Conditions:
Gorlin syndrome. Also called: Nevoid Basal Cell Carcinoma Syndrome; Basal cell nevus syndrome. Identifiers: Orphanet 377, MedGen C0004779, MONDO:0007187.
Neoplasm. Also called: tumor; Neoplasms; Neoplasm (disease). Identifiers: MedGen C0027651, MeSH D009369, MONDO:0005070, HP:0002664.

Submissions (2):

Center for Genomic Medicine, Rigshospitalet, Copenhagen University Hospital
Classification: Likely oncogenic for Neoplasm. Last evaluated: 2025-12-29. Review status: criteria provided, single submitter. Criteria: ClinGen/CGC/VICC Guidelines for Oncogenicity, 2022. Collection method: clinical testing. Allele origin: somatic. Affected: yes.

Labcorp Genetics (formerly Invitae), Labcorp
Classification: Pathogenic for Gorlin syndrome. Last evaluated: 2020-05-23. Review status: criteria provided, single submitter. Criteria: Invitae Variant Classification Sherloc (09022015). Collection method: clinical testing. Allele origin: germline.
Comment: This variant is not present in population databases (ExAC no frequency). For these reasons, this variant has been classified as Pathogenic. Loss-of-function variants in PTCH1 are known to be pathogenic (PMID: 16301862, 16419085). This variant has not been reported in the literature in individuals with PTCH1-related conditions. This sequence change creates a premature translational stop signal (p.Pro896Alafs*9) in the PTCH1 gene. It is expected to result in an absent or disrupted protein product.

Literature cited by the submitters: PubMed 16301862 (cited by Center for Genomic Medicine, Rigshospitalet, Copenhagen University Hospital and Labcorp Genetics (formerly Invitae), Labcorp); PubMed 16419085 (cited by Labcorp Genetics (formerly Invitae), Labcorp).